The following is an entry in ClinVar:

NM_000540.3(RYR1):c.8821C>A (p.Leu2941Ile)

Gene: RYR1 (ryanodine receptor 1; plus strand). Cytogenetic location: 19q13.2.
Variant type: single nucleotide variant.
Coding change: c.8821C>A on transcript NM_000540.3 (MANE Select); coding-DNA position 8821, C replaced by A.
Protein change: p.Leu2941Ile; replaces leucine 2941 with isoleucine.
Molecular consequence: missense variant.
Genome position (GRCh38, 1-based): chr19:38,507,716, C>A. VCF-style: chr19-38507716-C-A. GRCh37 (hg19) VCF-style: chr19-38998356-C-A.
Other names: c.8821C>A, p.Leu2941Ile (NM_001042723.2); short protein forms L2941I.
Identifiers: ClinVar variation 3385485 (VCV003385485.1).

ClinVar aggregate classification (germline): Uncertain significance (1 of 4 stars; one submission).

Conditions:
Malignant hyperthermia, susceptibility to, 1 (MHS1). Also called: Anesthesia related hyperthermia; Malignant hyperpyrexia; Fulminating hyperpyrexia; Pharmacogenic myopathy; Malignant hyperthermia suceptibility 1; RYR1-Related Malignant Hyperthermia Susceptibility. Identifiers: Orphanet 423, MedGen C2930980, MONDO:0007783, OMIM 145600.

Submission:

All of Us Research Program, National Institutes of Health
Classification: Uncertain significance for Malignant hyperthermia, susceptibility to, 1. Last evaluated: 2024-08-06. Review status: criteria provided, single submitter. Criteria: ACMG Guidelines, 2015. Collection method: clinical testing. Allele origin: germline. Inheritance: Autosomal dominant inheritance. Observed: 1 variant allele, 1 heterozygote.
Comment: This study involves interpretation of variants in research participants for the purpose of population health screening. Participant phenotype was not available at the time of variant classification. Additional details can be found in publication PMID: 35346344, PMCID: PMC8962531